The following is an entry in ClinVar:

ClinVar aggregate classification (germline): Uncertain significance (1 of 4 stars; one submission).

Conditions:
Dilated Cardiomyopathy, Dominant.
Myofibrillar myopathy 5. Also called: Filaminopathy (type); FILAMINOPATHY, AUTOSOMAL DOMINANT. Identifiers: Orphanet 171445, MedGen C1836050, MONDO:0012289, OMIM 609524.
Hypertrophic cardiomyopathy 26. Also called: Cardiomyopathy, familial hypertrophic, 26. Identifiers: Orphanet 75249, MedGen C4310749, MONDO:0014883, OMIM 617047.
Distal myopathy with posterior leg and anterior hand involvement. Also called: WILLIAMS DISTAL MYOPATHY. Identifiers: Orphanet 63273, MedGen C3279722, MONDO:0013550, OMIM 614065.

Allele frequency attached by ClinVar (database versions not stated): TOPMed below 0.00001.

Submission:

Labcorp Genetics (formerly Invitae), Labcorp
Classification: Uncertain significance for Distal myopathy with posterior leg and anterior hand involvement; Myofibrillar myopathy 5; Hypertrophic cardiomyopathy 26. Last evaluated: 2020-01-16. Review status: criteria provided, single submitter. Criteria: Invitae Variant Classification Sherloc (09022015). Collection method: clinical testing. Allele origin: germline.
Comment: In summary, the available evidence is currently insufficient to determine the role of this variant in disease. Therefore, it has been classified as a Variant of Uncertain Significance. Algorithms developed to predict the effect of missense changes on protein structure and function are either unavailable or do not agree on the potential impact of this missense change (SIFT: "Deleterious"; PolyPhen-2: "Possibly Damaging"; Align-GVGD: "Class C0"). This variant has not been reported in the literature in individuals with FLNC-related conditions. This variant is not present in population databases (ExAC no frequency). This sequence change replaces cysteine with arginine at codon 1448 of the FLNC protein (p.Cys1448Arg). The cysteine residue is highly conserved and there is a large physicochemical difference between cysteine and arginine.

NM_001458.5(FLNC):c.4342T>C (p.Cys1448Arg)

Gene: FLNC (filamin C; plus strand). Cytogenetic location: 7q32.1.
Variant type: single nucleotide variant.
Coding change: c.4342T>C on transcript NM_001458.5 (MANE Select); coding-DNA position 4342, T replaced by C.
Protein change: p.Cys1448Arg; replaces cysteine 1448 with arginine.
Molecular consequence: missense variant.
Genome position (GRCh38, 1-based): chr7:128,847,750, T>C. VCF-style: chr7-128847750-T-C. GRCh37 (hg19) VCF-style: chr7-128487804-T-C.
Other names: c.4342T>C, p.Cys1448Arg (NM_001127487.2); short protein forms C1448R.
Identifiers: ClinVar variation 1035481 (VCV001035481.8), dbSNP rs976487545, ClinGen allele CA166182954.